The following is an entry in ClinVar:

NM_001393769.1(MED12L):c.5345C>G (p.Pro1782Arg)

Gene: MED12L (mediator complex subunit 12L; plus strand). Cytogenetic location: 3q25.1.
Variant type: single nucleotide variant.
Coding change: c.5345C>G on transcript NM_001393769.1 (MANE Select); coding-DNA position 5345, C replaced by G.
Protein change: p.Pro1782Arg; replaces proline 1782 with arginine.
Molecular consequence: missense variant.
Genome position (GRCh38, 1-based): chr3:151,388,066, C>G. VCF-style: chr3-151388066-C-G. GRCh37 (hg19) VCF-style: chr3-151105854-C-G.
Other names: c.5240C>G, p.Pro1747Arg (NM_053002.6); short protein forms P1747R, P1782R.
Identifiers: ClinVar variation 989276 (VCV000989276.4), dbSNP rs150905004, ClinGen allele CA85738595.

ClinVar aggregate classification (germline): Uncertain significance (1 of 4 stars; one submission).

Conditions:
MED12L-related neurodevelopmental disorder.

Allele frequency attached by ClinVar (database versions not stated): gnomAD 0.00001; gnomAD exomes 0.00002; TOPMed 0.00002; ESP Exome Variant Server 0.00008.
gnomAD v4.1: 27 of 1,613,854 alleles (0.0017%); highest among the groups gnomAD compares: Non-Finnish European, 0.0023%; no homozygotes.

Submission:

Illumina Laboratory Services, Illumina
Classification: Uncertain significance for MED12L-related neurodevelopmental disorder. Last evaluated: 2020-06-16. Review status: criteria provided, single submitter. Criteria: ICSLVariantClassificationCriteria RUGD 01 April 2020. Collection method: clinical testing. Allele origin: unknown.
Comment: The MED12L c.5240C>G (p.Pro1747Arg) variant is a missense variant. A literature search was performed for the gene, cDNA change, and amino acid change. No publications were found based on this search. This variant is not found in the Genome Aggregation Database and is in a region of good sequence coverage, so the variant is presumed to be rare. Based on the limited evidence, the p.Pro1747Arg variant is classified as a variant of uncertain significance for MED12L-related neurodevelopmental disorder.